The following is an entry in ClinVar:

NM_139058.3(ARX):c.1034G>A (p.Arg345Gln)

Gene: ARX (aristaless related homeobox; minus strand). Cytogenetic location: Xp21.3.
Variant type: single nucleotide variant.
Coding change: c.1034G>A on transcript NM_139058.3 (MANE Select); coding-DNA position 1034, G replaced by A.
Protein change: p.Arg345Gln; replaces arginine 345 with glutamine.
Molecular consequence: missense variant.
Genome position (GRCh38, 1-based): chrX:25,012,961, C>T on the plus strand (G>A on the coding strand, the complement: ARX is on the minus strand). VCF-style: chrX-25012961-C-T. GRCh37 (hg19) VCF-style: chrX-25031078-C-T.
Other names: short protein forms R345Q.
Identifiers: ClinVar variation 4532377 (VCV004532377.1).

ClinVar aggregate classification (germline): Uncertain significance (1 of 4 stars; one submission).

Submission:

GeneDx
Classification: Uncertain significance. Last evaluated: 2025-05-30. Review status: criteria provided, single submitter. Criteria: GeneDx Variant Classification Process June 2021. Collection method: clinical testing. Allele origin: germline. Affected: yes.
Comment: Not observed at significant frequency in large population cohorts (gnomAD); In silico analysis supports that this missense variant has a deleterious effect on protein structure/function; Has not been previously published as pathogenic or benign to our knowledge